The following is an entry in ClinVar:

NM_001035.3(RYR2):c.13348G>A (p.Glu4450Lys)

Gene: RYR2 (ryanodine receptor 2; plus strand). Cytogenetic location: 1q43.
Variant type: single nucleotide variant.
Coding change: c.13348G>A on transcript NM_001035.3 (MANE Select); coding-DNA position 13348, G replaced by A.
Protein change: p.Glu4450Lys; replaces glutamic acid 4450 with lysine.
Molecular consequence: missense variant.
Genome position (GRCh38, 1-based): chr1:237,788,007, G>A. VCF-style: chr1-237788007-G-A. GRCh37 (hg19) VCF-style: chr1-237951307-G-A.
Other names: short protein forms E4450K.
Identifiers: ClinVar variation 3366231 (VCV003366231.1).

ClinVar aggregate classification (germline): Uncertain significance (1 of 4 stars; one submission).

Submission:

GeneDx
Classification: Uncertain significance. Last evaluated: 2023-10-26. Review status: criteria provided, single submitter. Criteria: GeneDx Variant Classification Process June 2021. Collection method: clinical testing. Allele origin: germline. Affected: yes.
Comment: Not observed at significant frequency in large population cohorts (gnomAD); In silico analysis supports that this missense variant does not alter protein structure/function; Has not been previously published as pathogenic or benign to our knowledge